The following is an entry in ClinVar:

NM_024596.5(MCPH1):c.1189G>A (p.Val397Met)

Gene: MCPH1 (microcephalin 1; plus strand). Cytogenetic location: 8p23.1.
Variant type: single nucleotide variant.
Coding change: c.1189G>A on transcript NM_024596.5 (MANE Select); coding-DNA position 1189, G replaced by A.
Protein change: p.Val397Met; replaces valine 397 with methionine.
Molecular consequence: missense variant. On other transcripts: non-coding transcript variant (1).
Genome position (GRCh38, 1-based): chr8:6,444,911, G>A. VCF-style: chr8-6444911-G-A. GRCh37 (hg19) VCF-style: chr8-6302432-G-A.
Other names: c.1189G>A, p.Val397Met (NM_001172574.2, NM_001322042.2, NM_001363979.1 and 1 more transcripts); c.1045G>A, p.Val349Met (NM_001172575.2); c.1183G>A, p.Val395Met (NM_001322043.2); c.1087G>A, p.Val363Met (NM_001322045.2); short protein forms V397M, V363M, V395M, V349M.
Identifiers: ClinVar variation 158817 (VCV000158817.12), dbSNP rs539491399, ClinGen allele CA271672.
Genomic context (GRCh38, chr8:6,444,911, plus strand): 5'-ACCAGGAGATCTATCATGCCGAGGCTGCAGCTGTGCAGGTCGGAAGACAGGCTGCAGCAC[G>A]TGGCGGGACCTGCCCTGGAGGCTCTTAGCTGTGGGGAGTCTTCATATGATGACTATTTTT-3'
Protein context (NP_078872.3, residues 387-407): LCRSEDRLQH[Val397Met]AGPALEALSC

ClinVar aggregate classification (germline): Uncertain significance. Review status: criteria provided, multiple submitters, no conflicts (2 of 4 stars). 4 submissions from 4 submitters: Uncertain significance (4). Last evaluated 2022-01-11.

Conditions:
Microcephaly 1, primary, autosomal recessive (MCPH1). Also called: PREMATURE CHROMOSOME CONDENSATION SYNDROME; PCC SYNDROME; PREMATURE CHROMOSOME CONDENSATION WITH MICROCEPHALY AND MENTAL RETARDATION. Identifiers: Orphanet 2512, MedGen C1855081, MONDO:0009617, OMIM 251200.

Allele frequency attached by ClinVar (database versions not stated): TOPMed 0.00001; gnomAD exomes 0.00007 and 0.00012; ExAC 0.00016; 1000 Genomes Project 30x 0.00047; 1000 Genomes Project 0.00060.
gnomAD v4.1: 103 of 1,614,158 alleles (0.0064%); highest among the groups gnomAD compares: South Asian, 0.1%; 2 homozygotes.

Submissions (4):

Labcorp Genetics (formerly Invitae), Labcorp
Classification: Uncertain significance. Last evaluated: 2022-01-11. Review status: criteria provided, single submitter. Criteria: Invitae Variant Classification Sherloc (09022015). Collection method: clinical testing. Allele origin: germline.
Comment: This sequence change replaces valine, which is neutral and non-polar, with methionine, which is neutral and non-polar, at codon 397 of the MCPH1 protein (p.Val397Met). This variant is present in population databases (rs539491399, gnomAD 0.09%). This variant has not been reported in the literature in individuals affected with MCPH1-related conditions. ClinVar contains an entry for this variant (Variation ID: 158817). Algorithms developed to predict the effect of missense changes on protein structure and function output the following: SIFT: "Not Available"; PolyPhen-2: "Benign"; Align-GVGD: "Not Available". The methionine amino acid residue is found in multiple mammalian species, which suggests that this missense change does not adversely affect protein function. In summary, the available evidence is currently insufficient to determine the role of this variant in disease. Therefore, it has been classified as a Variant of Uncertain Significance.

Revvity Omics, Revvity
Classification: Uncertain significance for Microcephaly 1, primary, autosomal recessive. Last evaluated: 2019-02-04. Review status: criteria provided, single submitter. Criteria: ACMG Guidelines, 2015. Collection method: clinical testing. Allele origin: germline.

Illumina Laboratory Services, Illumina
Classification: Uncertain significance for Microcephaly 1, primary, autosomal recessive. Last evaluated: 2018-01-13. Review status: criteria provided, single submitter. Criteria: ICSL Variant Classification Criteria 13 December 2019. Collection method: clinical testing. Allele origin: germline.

Genetic Services Laboratory, University of Chicago
Classification: Uncertain significance for Microcephaly 1, primary, autosomal recessive. Last evaluated: 2013-02-08. Review status: criteria provided, single submitter. Criteria: ACMG Guidelines, 2007. Collection method: clinical testing. Allele origin: germline. Inheritance: Autosomal recessive inheritance.